The following is an entry in ClinVar:

NM_000701.8(ATP1A1):c.2103T>C (p.Ile701=)

Genes: ATP1A1 (ATPase Na+/K+ transporting subunit alpha 1; plus strand), ATP1A1-AS1 (ATP1A1 antisense RNA 1; minus strand). Cytogenetic location: 1p13.1.
Variant type: single nucleotide variant.
Coding change: c.2103T>C on transcript NM_000701.8 (MANE Select); coding-DNA position 2103, T replaced by C.
Protein change: p.Ile701=; no amino-acid change (isoleucine 701 retained).
Molecular consequence: synonymous variant.
Genome position (GRCh38, 1-based): chr1:116,398,017, T>C. VCF-style: chr1-116398017-T-C. GRCh37 (hg19) VCF-style: chr1-116940639-T-C.
Other names: p.Ile701=; c.2103T>C, p.Ile701= (NM_001160233.2); c.2010T>C, p.Ile670= (NM_001160234.2).
Identifiers: ClinVar variation 1656557 (VCV001656557.9), dbSNP rs371087257, ClinGen allele CA1025467.

ClinVar aggregate classification (germline): Likely benign. Review status: criteria provided, multiple submitters, no conflicts (2 of 4 stars). 2 submissions from 2 submitters: Likely benign (2). Last evaluated 2025-12-09.

Allele frequency attached by ClinVar (database versions not stated): gnomAD 0.00006; ESP Exome Variant Server 0.00008; gnomAD exomes 0.00009 and 0.00010; TOPMed 0.00009; ExAC 0.00015.
gnomAD v4.1: 131 of 1,613,928 alleles (0.0081%); highest among the groups gnomAD compares: Non-Finnish European, 0.01%; no homozygotes.

Submissions (2):

Labcorp Genetics (formerly Invitae), Labcorp
Classification: Likely benign. Last evaluated: 2025-12-09. Review status: criteria provided, single submitter. Criteria: Invitae Variant Classification Sherloc (09022015). Collection method: clinical testing. Allele origin: germline.

Mayo Clinic Laboratories, Mayo Clinic
Classification: Likely benign. Last evaluated: 2025-03-18. Review status: criteria provided, single submitter. Criteria: ACMG Guidelines, 2015. Collection method: clinical testing. Allele origin: germline. Observed: 1 variant allele.
Comment: BS2, BP4, BP7